The following is an entry in ClinVar:

ClinVar aggregate classification (germline): Benign (1 of 4 stars; one submission).

Allele frequency attached by ClinVar (database versions not stated): 1000 Genomes Project 0.06270; 1000 Genomes Project 30x 0.06309; TOPMed 0.06696.
gnomAD v4.1: 34,653 of 479,658 alleles (7.2%); highest among the groups gnomAD compares: South Asian, 12%; 1,477 homozygotes.

Submission:

GeneDx
Classification: Benign. Last evaluated: 2018-06-14. Review status: criteria provided, single submitter. Criteria: GeneDx Variant Classification (06012015). Collection method: clinical testing. Allele origin: germline. Affected: yes.
Comment: This variant is considered likely benign or benign based on one or more of the following criteria: it is a conservative change, it occurs at a poorly conserved position in the protein, it is predicted to be benign by multiple in silico algorithms, and/or has population frequency not consistent with disease.

NM_032119.4(ADGRV1):c.454-80G>T

Gene: ADGRV1 (adhesion G protein-coupled receptor V1; plus strand). Cytogenetic location: 5q14.3.
Variant type: single nucleotide variant.
Coding change: c.454-80G>T on transcript NM_032119.4 (MANE Select); 80 bases into the intron before coding-DNA position 454, G replaced by T.
Molecular consequence: intron variant.
Genome position (GRCh38, 1-based): chr5:90,622,517, G>T. VCF-style: chr5-90622517-G-T. GRCh37 (hg19) VCF-style: chr5-89918334-G-T.
Identifiers: ClinVar variation 676391 (VCV000676391.1), dbSNP rs16868864, ClinGen allele CA11936526.
Genomic context (GRCh38, chr5:90,622,517, plus strand): 5'-GCTAGGAAATATCACATTCTTATCGTACAGTGTGGATTGATGTGTCTGTGGAAATTGAGC[G>T]TTTCTGAGGTAATAGTTTTTACCGCCTCATACCTCTGATTGCTCAGCTCCTGATCATCTG-3'